The following is an entry in ClinVar:

NM_002691.4(POLD1):c.737C>G (p.Ala246Gly)

Gene: POLD1 (DNA polymerase delta 1, catalytic subunit; plus strand). Cytogenetic location: 19q13.33.
Variant type: single nucleotide variant.
Coding change: c.737C>G on transcript NM_002691.4 (MANE Select); coding-DNA position 737, C replaced by G.
Protein change: p.Ala246Gly; replaces alanine 246 with glycine.
Molecular consequence: missense variant. On other transcripts: non-coding transcript variant (1).
Genome position (GRCh38, 1-based): chr19:50,402,352, C>G. VCF-style: chr19-50402352-C-G. GRCh37 (hg19) VCF-style: chr19-50905609-C-G.
Other names: c.737C>G, p.Ala246Gly (NM_001256849.1, NM_001308632.1); short protein forms A246G.
Identifiers: ClinVar variation 1055494 (VCV001055494.9), dbSNP rs2038681232, ClinGen allele CA406974588.
Genomic context (GRCh38, chr19:50,402,352, plus strand): 5'-TCCTGGAACAGGGCATCCGTGTGGCAGGCCTGGGCACGCCCAGCTTCGCGCCCTACGAGG[C>G]CAACGTCGACTTTGAGATCCGGTACGGCCTCTGCCTCACTTCTCCGGCCTCTATCCCCAC-3'
Protein context (NP_002682.2, residues 236-256): LGTPSFAPYE[Ala246Gly]NVDFEIRFMV

ClinVar aggregate classification (germline): Uncertain significance (1 of 4 stars; one submission).

Conditions:
POLD1-related polyposis and colorectal cancer syndrome (CRCS10). Also called: Colorectal cancer 10; COLORECTAL CANCER, SUSCEPTIBILITY TO, ON CHROMOSOME 19q; Colorectal cancer, susceptibility to, 10. Identifiers: Orphanet 220460, MedGen C2675481, MONDO:0012953, OMIM 612591.

Submission:

Labcorp Genetics (formerly Invitae), Labcorp
Classification: Uncertain significance for POLD1-related polyposis and colorectal cancer syndrome. Last evaluated: 2020-08-03. Review status: criteria provided, single submitter. Criteria: Invitae Variant Classification Sherloc (09022015). Collection method: clinical testing. Allele origin: germline.
Comment: In summary, the available evidence is currently insufficient to determine the role of this variant in disease. Therefore, it has been classified as a Variant of Uncertain Significance. Algorithms developed to predict the effect of missense changes on protein structure and function (SIFT, PolyPhen-2, Align-GVGD) all suggest that this variant is likely to be tolerated, but these predictions have not been confirmed by published functional studies and their clinical significance is uncertain. This variant has not been reported in the literature in individuals with POLD1-related conditions. This variant is not present in population databases (ExAC no frequency). This sequence change replaces alanine with glycine at codon 246 of the POLD1 protein (p.Ala246Gly). The alanine residue is moderately conserved and there is a small physicochemical difference between alanine and glycine.